The following is an entry in ClinVar:

NM_004329.3(BMPR1A):c.158A>G (p.Glu53Gly)

Gene: BMPR1A (bone morphogenetic protein receptor type 1A; plus strand). Cytogenetic location: 10q23.2.
Variant type: single nucleotide variant.
Coding change: c.158A>G on transcript NM_004329.3 (MANE Select); coding-DNA position 158, A replaced by G.
Protein change: p.Glu53Gly; replaces glutamic acid 53 with glycine.
Molecular consequence: missense variant.
Genome position (GRCh38, 1-based): chr10:86,890,152, A>G. VCF-style: chr10-86890152-A-G. GRCh37 (hg19) VCF-style: chr10-88649909-A-G.
Other names: short protein forms E53G.
Identifiers: ClinVar variation 482870 (VCV000482870.5), dbSNP rs1554888120, ClinGen allele CA377446747.

ClinVar aggregate classification (germline): Uncertain significance (1 of 4 stars; one submission).

Conditions:
Hereditary cancer-predisposing syndrome. Also called: Neoplastic Syndromes, Hereditary; Tumor predisposition; Hereditary Cancer Syndrome; Hereditary neoplastic syndrome. Identifiers: Orphanet 140162, MedGen C0027672, MeSH D009386, MONDO:0015356.

Submission:

Ambry Genetics
Classification: Uncertain significance for Hereditary cancer-predisposing syndrome. Last evaluated: 2016-09-14. Review status: criteria provided, single submitter. Criteria: Ambry Variant Classification Scheme 2023. Collection method: clinical testing. Allele origin: germline.
Comment: The p.E53G variant (also known as c.158A>G), located in coding exon 2 of the BMPR1A gene, results from an A to G substitution at nucleotide position 158. The glutamic acid at codon 53 is replaced by glycine, an amino acid with similar properties. This variant was not reported in population based cohorts in the following databases: Database of Single Nucleotide Polymorphisms (dbSNP), NHLBI Exome Sequencing Project (ESP), and 1000 Genomes Project. In the ESP, this variant was not observed in 6503 samples (13006 alleles) with coverage at this position. To date, this alteration has been detected with an allele frequency of approximately 0.001% (greater than 85000 alleles tested) in our clinical cohort. This amino acid position is highly conserved in available vertebrate species. In addition, the in silico prediction for this alteration is inconclusive. Since supporting evidence is limited at this time, the clinical significance of this alteration remains unclear.